The following is an entry in ClinVar:

NM_012418.4(FSCN2):c.552C>T (p.Tyr184=)

Gene: FSCN2 (fascin actin-bundling protein 2, retinal; plus strand). Cytogenetic location: 17q25.3.
Variant type: single nucleotide variant.
Coding change: c.552C>T on transcript NM_012418.4 (MANE Select); coding-DNA position 552, C replaced by T.
Protein change: p.Tyr184=; no amino-acid change (tyrosine 184 retained).
Molecular consequence: synonymous variant.
Genome position (GRCh38, 1-based): chr17:81,529,083, C>T. VCF-style: chr17-81529083-C-T. GRCh37 (hg19) VCF-style: chr17-79496109-C-T.
Other names: c.552C>T, p.Tyr184= (NM_001077182.3); c.552C>T (NM_001077182.2).
Identifiers: ClinVar variation 1166635 (VCV001166635.10), dbSNP rs782171838, ClinGen allele CA8836716.

ClinVar aggregate classification (germline): Benign. Review status: criteria provided, single submitter (1 of 4 stars). 2 submissions from 2 submitters: Benign (1). 1 of the submissions does not count toward it. Last evaluated 2025-12-06.

Conditions:
FSCN2-related disorder. Also called: FSCN2-related condition.

Allele frequency attached by ClinVar (database versions not stated): TOPMed 0.00012; 1000 Genomes Project 30x 0.00016; gnomAD exomes 0.00035; gnomAD 0.00038; ExAC 0.00067.
gnomAD v4.1: 464 of 1,590,632 alleles (0.029%); highest among the groups gnomAD compares: Non-Finnish European, 0.026%; 1 homozygote.

Submissions (2):

Labcorp Genetics (formerly Invitae), Labcorp
Classification: Benign. Last evaluated: 2025-12-06. Review status: criteria provided, single submitter. Criteria: Invitae Variant Classification Sherloc (09022015). Collection method: clinical testing. Allele origin: germline.

PreventionGenetics, part of Exact Sciences
Classification: Likely benign for FSCN2-related condition. Last evaluated: 2024-05-29. Review status: no assertion criteria provided. Collection method: clinical testing. Allele origin: germline. Not counted in ClinVar's aggregate classification.
Comment: This variant is classified as likely benign based on ACMG/AMP sequence variant interpretation guidelines (Richards et al. 2015 PMID: 25741868, with internal and published modifications).